The following is an entry in ClinVar:

ClinVar aggregate classification (germline): Uncertain significance (1 of 4 stars; one submission).

Allele frequency attached by ClinVar (database versions not stated): gnomAD exomes below 0.00001; ExAC 0.00001; 1000 Genomes Project 0.00020.

Submission:

Labcorp Genetics (formerly Invitae), Labcorp
Classification: Uncertain significance. Last evaluated: 2022-10-03. Review status: criteria provided, single submitter. Criteria: Invitae Variant Classification Sherloc (09022015). Collection method: clinical testing. Allele origin: germline.
Comment: This sequence change replaces valine, which is neutral and non-polar, with glycine, which is neutral and non-polar, at codon 1448 of the CPLANE1 protein (p.Val1448Gly). In summary, the available evidence is currently insufficient to determine the role of this variant in disease. Therefore, it has been classified as a Variant of Uncertain Significance. Advanced modeling of protein sequence and biophysical properties (such as structural, functional, and spatial information, amino acid conservation, physicochemical variation, residue mobility, and thermodynamic stability) performed at Invitae indicates that this missense variant is not expected to disrupt CPLANE1 protein function. ClinVar contains an entry for this variant (Variation ID: 1369184). This variant has not been reported in the literature in individuals affected with CPLANE1-related conditions. This variant is present in population databases (rs550561225, gnomAD 0.0009%).

NM_001384732.1(CPLANE1):c.4343T>G (p.Val1448Gly)

Genes: CPLANE1 (ciliogenesis and planar polarity effector complex subunit 1; minus strand), LOC129389274 (MPRA-validated peak5227 silencer; plus strand). Cytogenetic location: 5p13.2.
Variant type: single nucleotide variant.
Coding change: c.4343T>G on transcript NM_001384732.1 (MANE Select); coding-DNA position 4343, T replaced by G.
Protein change: p.Val1448Gly; replaces valine 1448 with glycine.
Molecular consequence: missense variant.
Genome position (GRCh38, 1-based): chr5:37,184,926, A>C on the plus strand (T>G on the coding strand, the complement: CPLANE1 is on the minus strand). VCF-style: chr5-37184926-A-C. GRCh37 (hg19) VCF-style: chr5-37185028-A-C.
Other names: c.4343T>G, p.Val1448Gly (NM_023073.4); short protein forms V1448G.
Identifiers: ClinVar variation 1369184 (VCV001369184.6), dbSNP rs550561225, ClinGen allele CA3238719.